The following is an entry in ClinVar:

ClinVar aggregate classification (germline): Likely pathogenic (1 of 4 stars; one submission).

Conditions:
Junctional epidermolysis bullosa gravis of Herlitz. Also called: Herlitz-type junctional epidermolysis bullosa; Epidermolysis Bullosa Letalis; EPIDERMOLYSIS BULLOSA, JUNCTIONAL 1B, SEVERE; EPIDERMOLYSIS BULLOSA JUNCTIONALIS, HERLITZ TYPE; EPIDERMOLYSIS BULLOSA, JUNCTIONAL, HERLITZ-PEARSON TYPE; JEB-HERLITZ TYPE. Identifiers: Orphanet 79404, MedGen C0079683, MONDO:0009182, OMIM 226700.

Submission:

Myriad Genetics, Inc.
Classification: Likely pathogenic for Junctional epidermolysis bullosa gravis of Herlitz. Last evaluated: 2019-09-24. Review status: criteria provided, single submitter. Criteria: Myriad Women's Health Autosomal Recessive and X-Linked Classification Criteria (2019). Collection method: clinical testing. Allele origin: unknown.
Comment: NM_000228.2(LAMB3):c.1783C>T(Q595*) is expected to be pathogenic in the context of Herlitz junctional epidermolysis bullosa, LAMB3-related. This variant is predicted to lead to an abnormal or absent protein product due to the creation of a premature termination codon in LAMB3, a gene where loss-of-function variants are known to be pathogenic. Please note: this variant was assessed in the context of healthy population screening.

NM_000228.3(LAMB3):c.1783C>T (p.Gln595Ter)

Gene: LAMB3 (laminin subunit beta 3; minus strand). Cytogenetic location: 1q32.2.
Variant type: single nucleotide variant.
Coding change: c.1783C>T on transcript NM_000228.3 (MANE Select); coding-DNA position 1783, C replaced by T.
Protein change: p.Gln595Ter; replaces glutamine 595 with a stop codon.
Molecular consequence: nonsense.
Genome position (GRCh38, 1-based): chr1:209,625,841, G>A on the plus strand (C>T on the coding strand, the complement: LAMB3 is on the minus strand). VCF-style: chr1-209625841-G-A. GRCh37 (hg19) VCF-style: chr1-209799186-G-A.
Other names: c.1783C>T, p.Gln595Ter (NM_001017402.2, NM_001127641.1); short protein forms Q595*.
Identifiers: ClinVar variation 983937 (VCV000983937.3), dbSNP rs1666422338, ClinGen allele CA344589399.